The following is an entry in ClinVar:

NM_000342.4(SLC4A1):c.349+1G>A

Gene: SLC4A1 (solute carrier family 4 member 1 (Diego blood group); minus strand). Cytogenetic location: 17q21.31.
Variant type: single nucleotide variant.
Coding change: c.349+1G>A on transcript NM_000342.4 (MANE Select); the canonical splice donor site of the intron after coding-DNA position 349, G replaced by A.
Molecular consequence: splice donor variant.
Genome position (GRCh38, 1-based): chr17:44,260,634, C>T on the plus strand (G>A on the coding strand, the complement: SLC4A1 is on the minus strand). VCF-style: chr17-44260634-C-T. GRCh37 (hg19) VCF-style: chr17-42338002-C-T.
Identifiers: ClinVar variation 624572 (VCV000624572.5), dbSNP rs1567834739, ClinGen allele CA399795576.
Genomic context (GRCh38, chr17:44,260,634, plus strand): 5'-GCCACAGCACCCCACAACAATCCTCATCTGCAGGGGGTCCAGAAGGGCCCAGGAGGCTCA[C>T]CCTTGGTGAAGACTCTACGCAGCTCTAGGAGGCTCCAGAAGGTGAGGTGAGAGAGGTGCG-3'

ClinVar aggregate classification (germline): Pathogenic/Likely pathogenic. Review status: criteria provided, multiple submitters, no conflicts (2 of 4 stars). 2 submissions from 2 submitters: Pathogenic (1); Likely pathogenic (1). Last evaluated 2021-10-20.

Submissions (2):

Revvity Omics, Revvity
Classification: Likely pathogenic. Last evaluated: 2021-10-20. Review status: criteria provided, single submitter. Criteria: ACMG Guidelines, 2015. Collection method: clinical testing. Allele origin: germline.

MVZ Dr. Eberhard & Partner Dortmund
Classification: Pathogenic. Last evaluated: 2018-12-10. Review status: criteria provided, single submitter. Criteria: ACMG Guidelines, 2015. Collection method: clinical testing. Allele origin: unknown. Observed: 1 variant allele.
Comment: The substitution is located in the donor splice site of intron 5. The consequence of this change is not predictable, but a skip of exon 5 is very likely. This would lead to a frameshift and a premature termination codon. Further premature termination codons downstream of SLC4A1 are listed in HGMD.